The following is an entry in ClinVar:

NM_000536.4(RAG2):c.265C>T (p.His89Tyr)

Gene: RAG2 (recombination activating 2; minus strand). Cytogenetic location: 11p12.
Variant type: single nucleotide variant.
Coding change: c.265C>T on transcript NM_000536.4 (MANE Select); coding-DNA position 265, C replaced by T.
Protein change: p.His89Tyr; replaces histidine 89 with tyrosine.
Molecular consequence: missense variant.
Genome position (GRCh38, 1-based): chr11:36,593,904, G>A on the plus strand (C>T on the coding strand, the complement: RAG2 is on the minus strand). VCF-style: chr11-36593904-G-A. GRCh37 (hg19) VCF-style: chr11-36615454-G-A.
Other names: c.265C>T, p.His89Tyr (NM_001243785.2, NM_001243786.2); short protein forms H89Y.
Identifiers: ClinVar variation 951654 (VCV000951654.1), dbSNP rs918106600, ClinGen allele CA220580556.
Genomic context (GRCh38, chr11:36,593,904, plus strand): 5'-CATAAATCTTATCTGAAACCTCATTGTTTGGTGTTTTCCCTCCATGGATGATGTATTGAT[G>A]CTTTTCAGACTCCAAGCTGCCTTTGAATGTGCAAGTGGCTGGGTAGCGAAGAGGAGGGAG-3'
Protein context (NP_000527.2, residues 79-99): TFKGSLESEK[His89Tyr]QYIIHGGKTP

ClinVar aggregate classification (germline): Uncertain significance (1 of 4 stars; one submission).

Conditions:
Severe combined immunodeficiency, autosomal recessive, T cell-negative, B cell-negative, NK cell-positive. Also called: SCID, T CELL-NEGATIVE, B CELL-NEGATIVE, NK CELL-POSITIVE; SCID, AR, T-cell negative, B-cell negative, NK cell-positive; Severe combined immunodeficiency due to complete RAG1/2 deficiency. Identifiers: Orphanet 331206, MedGen C1832322, MONDO:0011086, OMIM 601457.
Combined immunodeficiency with skin granulomas. Identifiers: Orphanet 157949, MedGen C2673536, MONDO:0009306, OMIM 233650.

Allele frequency attached by ClinVar (database versions not stated): gnomAD exomes below 0.00001.
gnomAD v4.1: 3 of 1,614,216 alleles (0.00019%); highest among the groups gnomAD compares: Non-Finnish European, 0.00025%; no homozygotes.

Submission:

Labcorp Genetics (formerly Invitae), Labcorp
Classification: Uncertain significance for Combined cellular and humoral immune defects with granulomas; Severe combined immunodeficiency, autosomal recessive, T cell-negative, B cell-negative, NK cell-positive. Last evaluated: 2019-06-24. Review status: criteria provided, single submitter. Criteria: Invitae Variant Classification Sherloc (09022015). Collection method: clinical testing. Allele origin: germline.
Comment: This sequence change replaces histidine with tyrosine at codon 89 of the RAG2 protein (p.His89Tyr). The histidine residue is moderately conserved and there is a moderate physicochemical difference between histidine and tyrosine. This variant is not present in population databases (ExAC no frequency). This variant has not been reported in the literature in individuals with RAG2-related conditions. Algorithms developed to predict the effect of missense changes on protein structure and function output the following: SIFT: "Tolerated"; PolyPhen-2: "Benign"; Align-GVGD: "Class C0". The tyrosine amino acid residue is found in multiple mammalian species, suggesting that this missense change does not adversely affect protein function. These predictions have not been confirmed by published functional studies and their clinical significance is uncertain. In summary, the available evidence is currently insufficient to determine the role of this variant in disease. Therefore, it has been classified as a Variant of Uncertain Significance.